The following is an entry in ClinVar:

ClinVar aggregate classification (germline): Pathogenic. Review status: criteria provided, multiple submitters, no conflicts (2 of 4 stars). 3 submissions from 3 submitters: Pathogenic (3). Last evaluated 2026-03-30.

Conditions:
Dubin-Johnson syndrome (DJS). Also called: HYPERBILIRUBINEMIA, DUBIN-JOHNSON TYPE; Jaundice, Chronic Idiopathic; Hyperbilirubinemia type 2. Identifiers: Orphanet 234, MedGen C0022350, MONDO:0009380, OMIM 237500.
ABCC2-related disorder. Also called: ABCC2-related condition.

Allele frequency attached by ClinVar (database versions not stated): gnomAD exomes 0.00001; gnomAD 0.00003; TOPMed 0.00003; ExAC 0.00007; 1000 Genomes Project 30x 0.00016; 1000 Genomes Project 0.00020.
gnomAD v4.1: 17 of 1,613,980 alleles (0.0011%); highest among the groups gnomAD compares: East Asian, 0.038%; no homozygotes.

Submissions (3):

PreventionGenetics, part of Exact Sciences
Classification: Pathogenic for ABCC2-related condition. Last evaluated: 2026-03-30. Review status: criteria provided, single submitter. Criteria: ACMG Guidelines, 2015. Collection method: clinical testing. Allele origin: germline.
Comment: The ABCC2 c.3825C>G variant is predicted to result in premature protein termination (p.Tyr1275*). This variant has been reported in the compound heterozygous state in patients with autosomal recessive Dubin-Johnson syndrome (Lee et al. 2006. PubMed ID: 16549534; Chen et al. 2018. PubMed ID: 30366773; Table S1, Zheng et al. 2023. PubMed ID: 37314652). This variant is reported in 0.11% of alleles in individuals of East Asian descent in gnomAD. Nonsense variants in ABCC2 are expected to be pathogenic. This variant is interpreted as pathogenic.

Labcorp Genetics (formerly Invitae), Labcorp
Classification: Pathogenic. Last evaluated: 2025-03-18. Review status: criteria provided, single submitter. Criteria: Invitae Variant Classification Sherloc (09022015). Collection method: clinical testing. Allele origin: germline.
Comment: This sequence change creates a premature translational stop signal (p.Tyr1275*) in the ABCC2 gene. It is expected to result in an absent or disrupted protein product. Loss-of-function variants in ABCC2 are known to be pathogenic (PMID: 9185779, 16549534, 16952291). This variant is present in population databases (rs554976086, gnomAD 0.1%). This premature translational stop signal has been observed in individual(s) with Dubin-Johnson syndrome (PMID: 16549534, 30675866). ClinVar contains an entry for this variant (Variation ID: 2735469). For these reasons, this variant has been classified as Pathogenic.

Juno Genomics, Hangzhou Juno Genomics, Inc
Classification: Pathogenic for Dubin-Johnson syndrome. Review status: criteria provided, single submitter. Criteria: ACMG Guidelines, 2015. Collection method: clinical testing. Allele origin: germline. Affected: yes.
Comment: Null variant in a gene where loss of function (LOF) is a known mechanism of disease.;For recessive disorders, detected in trans with a pathogenic variant.;Patient's phenotype or family history is highly specific for a disease with a single genetic etiology.

Literature cited by the submitters: PubMed 9185779 (cited by Labcorp Genetics (formerly Invitae), Labcorp); PubMed 16549534 (cited by Labcorp Genetics (formerly Invitae), Labcorp); PubMed 16952291 (cited by Labcorp Genetics (formerly Invitae), Labcorp); PubMed 30675866 (cited by Labcorp Genetics (formerly Invitae), Labcorp).

NM_000392.5(ABCC2):c.3825C>G (p.Tyr1275Ter)

Gene: ABCC2 (ATP binding cassette subfamily C member 2; plus strand). Cytogenetic location: 10q24.2.
Variant type: single nucleotide variant.
Coding change: c.3825C>G on transcript NM_000392.5 (MANE Select); coding-DNA position 3825, C replaced by G.
Protein change: p.Tyr1275Ter; replaces tyrosine 1275 with a stop codon.
Molecular consequence: nonsense.
Genome position (GRCh38, 1-based): chr10:99,843,882, C>G. VCF-style: chr10-99843882-C-G. GRCh37 (hg19) VCF-style: chr10-101603639-C-G.
Other names: c.3825C>G (NM_000392.4); short protein forms Y1275*.
Identifiers: ClinVar variation 2735469 (VCV002735469.9), dbSNP rs554976086, ClinGen allele CA5643955.